The following is an entry in ClinVar:

NM_080911.3(UNG):c.730C>T (p.Gln244Ter)

Gene: UNG (uracil DNA glycosylase; plus strand). Cytogenetic location: 12q24.11.
Variant type: single nucleotide variant.
Coding change: c.730C>T on transcript NM_080911.3 (MANE Select); coding-DNA position 730, C replaced by T.
Protein change: p.Gln244Ter; replaces glutamine 244 with a stop codon.
Molecular consequence: nonsense.
Genome position (GRCh38, 1-based): chr12:109,103,540, C>T. VCF-style: chr12-109103540-C-T. GRCh37 (hg19) VCF-style: chr12-109541345-C-T.
Other names: c.703C>T, p.Gln235Ter (NM_003362.4); short protein forms Q235*, Q244*.
Identifiers: ClinVar variation 1074636 (VCV001074636.7), dbSNP rs751126274, ClinGen allele CA386473825.

ClinVar aggregate classification (germline): Pathogenic (1 of 4 stars; one submission).

Conditions:
Hyper-IgM syndrome type 5 (HIGM5). Also called: Hyper-IgM Immunodeficiency Syndrome, Type 5. Identifiers: Orphanet 101092, MedGen C1720958, MONDO:0011971, OMIM 608106.

Submission:

Labcorp Genetics (formerly Invitae), Labcorp
Classification: Pathogenic for Hyper-IgM syndrome type 5. Last evaluated: 2020-09-16. Review status: criteria provided, single submitter. Criteria: Invitae Variant Classification Sherloc (09022015). Collection method: clinical testing. Allele origin: germline.
Comment: For these reasons, this variant has been classified as Pathogenic. Loss-of-function variants in UNG are known to be pathogenic (PMID: 12958596). This variant has not been reported in the literature in individuals with UNG-related conditions. This variant is not present in population databases (ExAC no frequency). This sequence change creates a premature translational stop signal (p.Gln244*) in the UNG gene. It is expected to result in an absent or disrupted protein product.

Literature cited by the submitters: PubMed 12958596.